The following is an entry in ClinVar:

NM_001330260.2(SCN8A):c.5359A>C (p.Thr1787Pro)

Gene: SCN8A (sodium voltage-gated channel alpha subunit 8; plus strand). Cytogenetic location: 12q13.13.
Variant type: single nucleotide variant.
Coding change: c.5359A>C on transcript NM_001330260.2 (MANE Select); coding-DNA position 5359, A replaced by C.
Protein change: p.Thr1787Pro; replaces threonine 1787 with proline.
Molecular consequence: missense variant.
Genome position (GRCh38, 1-based): chr12:51,806,845, A>C. VCF-style: chr12-51806845-A-C. GRCh37 (hg19) VCF-style: chr12-52200629-A-C.
Other names: c.5236A>C, p.Thr1746Pro (NM_001177984.3, NM_001369788.1); c.5359A>C, p.Thr1787Pro (NM_014191.4); c.5359A>C (NM_014191.3); short protein forms T1746P, T1787P.
Identifiers: ClinVar variation 3067149 (VCV003067149.2), dbSNP rs2540334912, ClinGen allele CA384885532.

Conditions:
Complex neurodevelopmental disorder. Identifiers: Orphanet 528084, MedGen C5568766, MONDO:0100038.

Submission:

Channelopathy-Associated Epilepsy Research Center
No classification provided (evidence only). Condition: Complex neurodevelopmental disorder. Review status: no classification provided. Collection method: literature only. Allele origin: not applicable. Functional consequence: Overall loss-of-function effect with respect to biophysical channel activity, Severe decrease in peak current, Depolarizing shift of voltage dependence of activation, Hyperpolarizing shift of voltage dependence of fast inactivation, Acceleration of recovery from fast inactivation.
ClinVar note: "not provided" was previously submitted as the classification for the variant. However, the classification appeared to be based only on an observation of functional data so it was converted to no classification on 2025-07-30.

Literature cited by the submitters: PubMed 34431999.